The following is an entry in ClinVar:

NM_000330.4(RS1):c.233C>T (p.Pro78Leu)

Genes: CDKL5 (cyclin dependent kinase like 5; plus strand), RS1 (retinoschisin 1; minus strand). Cytogenetic location: Xp22.13.
Variant type: single nucleotide variant.
Coding change: c.233C>T on transcript NM_000330.4 (MANE Select); coding-DNA position 233, C replaced by T.
Protein change: p.Pro78Leu; replaces proline 78 with leucine.
Molecular consequence: missense variant. On other transcripts: intron variant (2).
Genome position (GRCh38, 1-based): chrX:18,647,284, G>A on the plus strand (C>T on the coding strand, the complement: RS1 is on the minus strand). VCF-style: chrX-18647284-G-A. GRCh37 (hg19) VCF-style: chrX-18665404-G-A.
Other names: c.2797+1194G>A (NM_003159.3, NM_001037343.2); short protein forms P78L.
Identifiers: ClinVar variation 2421100 (VCV002421100.41), dbSNP rs752656412, ClinGen allele CA10360714.

ClinVar aggregate classification (germline): Uncertain significance. Review status: criteria provided, multiple submitters, no conflicts (2 of 4 stars). 2 submissions from 2 submitters: Uncertain significance (2). Last evaluated 2026-03-12.

Conditions:
Inborn genetic diseases. Identifiers: MedGen C0950123, MeSH D030342.

Allele frequency attached by ClinVar (database versions not stated): gnomAD exomes 0.00001; 1000 Genomes Project 0.00026; 1000 Genomes Project 30x 0.00042; TOPMed below 0.00001; ExAC 0.00001; gnomAD 0.00003.
gnomAD v4.1: 9 of 1,208,506 alleles (0.00074%); highest among the groups gnomAD compares: Admixed American, 0.011%; no homozygotes.

Submissions (2):

Ambry Genetics
Classification: Uncertain significance for Inborn genetic diseases. Last evaluated: 2026-03-12. Review status: criteria provided, single submitter. Criteria: Ambry Variant Classification Scheme 2023. Collection method: clinical testing. Allele origin: germline.

Labcorp Genetics (formerly Invitae), Labcorp
Classification: Uncertain significance. Last evaluated: 2022-07-27. Review status: criteria provided, single submitter. Criteria: Invitae Variant Classification Sherloc (09022015). Collection method: clinical testing. Allele origin: germline.
Comment: This sequence change replaces proline, which is neutral and non-polar, with leucine, which is neutral and non-polar, at codon 78 of the RS1 protein (p.Pro78Leu). This variant is present in population databases (rs752656412, gnomAD 0.01%). This variant has not been reported in the literature in individuals affected with RS1-related conditions. Algorithms developed to predict the effect of missense changes on protein structure and function are either unavailable or do not agree on the potential impact of this missense change (SIFT: "Deleterious"; PolyPhen-2: "Benign"; Align-GVGD: "Class C15"). In summary, the available evidence is currently insufficient to determine the role of this variant in disease. Therefore, it has been classified as a Variant of Uncertain Significance.